The following is an entry in ClinVar:

ClinVar aggregate classification (germline): Uncertain significance (1 of 4 stars; one submission).

Conditions:
Febrile seizures, familial, 8 (FEB8). Also called: CONVULSIONS, FAMILIAL FEBRILE, 8. Identifiers: Orphanet 36387, MedGen C1969810, MONDO:0011891, OMIM 607681.
EPILEPSY, CHILDHOOD ABSENCE, SUSCEPTIBILITY TO, 2 (ECA2). Identifiers: Orphanet 64280, MedGen C1843244, OMIM 607681.

gnomAD v4.1: 1 of 1,613,148 alleles (0.000062%); highest among the groups gnomAD compares: Non-Finnish European, 0.000085%; no homozygotes.

Submission:

Labcorp Genetics (formerly Invitae), Labcorp
Classification: Uncertain significance for Febrile seizures, familial, 8; EPILEPSY, CHILDHOOD ABSENCE, SUSCEPTIBILITY TO, 2. Last evaluated: 2024-08-08. Review status: criteria provided, single submitter. Criteria: Invitae Variant Classification Sherloc (09022015). Collection method: clinical testing. Allele origin: germline.
Comment: This sequence change replaces asparagine, which is neutral and polar, with lysine, which is basic and polar, at codon 52 of the GABRG2 protein (p.Asn52Lys). This variant is not present in population databases (gnomAD no frequency). This variant has not been reported in the literature in individuals affected with GABRG2-related conditions. Advanced modeling of protein sequence and biophysical properties (such as structural, functional, and spatial information, amino acid conservation, physicochemical variation, residue mobility, and thermodynamic stability) has been performed at Invitae for this missense variant, however the output from this modeling did not meet the statistical confidence thresholds required to predict the impact of this variant on GABRG2 protein function. In summary, the available evidence is currently insufficient to determine the role of this variant in disease. Therefore, it has been classified as a Variant of Uncertain Significance.

NM_198904.4(GABRG2):c.156C>A (p.Asn52Lys)

Gene: GABRG2 (gamma-aminobutyric acid type A receptor subunit gamma2; plus strand). Cytogenetic location: 5q34.
Variant type: single nucleotide variant.
Coding change: c.156C>A on transcript NM_198904.4 (MANE Select); coding-DNA position 156, C replaced by A.
Protein change: p.Asn52Lys; replaces asparagine 52 with lysine.
Molecular consequence: missense variant. On other transcripts: 5 prime UTR variant (3).
Genome position (GRCh38, 1-based): chr5:162,093,876, C>A. VCF-style: chr5-162093876-C-A. GRCh37 (hg19) VCF-style: chr5-161520882-C-A.
Other names: c.156C>A, p.Asn52Lys (NM_000816.3, NM_001375340.1, NM_001375341.1 and 4 more transcripts); c.147C>A, p.Asn49Lys (NM_001375339.1); c.90C>A, p.Asn30Lys (NM_001375345.1, NM_001375346.1); c.69C>A, p.Asn23Lys (NM_001375347.1); c.-203C>A (NM_001375348.1, NM_001375350.1); c.-130C>A (NM_001375349.1); short protein forms N23K, N30K, N49K, N52K.
Identifiers: ClinVar variation 3752483 (VCV003752483.2).
Genomic context (GRCh38, chr5:162,093,876, plus strand): 5'-GTTTTTTCTTAGCTTCACTAGCCAGAAATCTGATGATGACTATGAAGATTATGCTTCTAA[C>A]AAAACATGGGTCTTGACTCCAAAAGTTCCTGAGGGTGATGTCACTGTCATCTTAAACAAC-3'
Protein context (NP_944494.1, residues 42-62): SDDDYEDYAS[Asn52Lys]KTWVLTPKVP